The following is an entry in ClinVar:

NM_024675.4(PALB2):c.3163T>C (p.Tyr1055His)

Gene: PALB2 (partner and localizer of BRCA2; minus strand). Cytogenetic location: 16p12.2.
Variant type: single nucleotide variant.
Coding change: c.3163T>C on transcript NM_024675.4 (MANE Select); coding-DNA position 3163, T replaced by C.
Protein change: p.Tyr1055His; replaces tyrosine 1055 with histidine.
Molecular consequence: missense variant.
Genome position (GRCh38, 1-based): chr16:23,614,042, A>G on the plus strand (T>C on the coding strand, the complement: PALB2 is on the minus strand). VCF-style: chr16-23614042-A-G. GRCh37 (hg19) VCF-style: chr16-23625363-A-G.
Other names: short protein forms Y1055H.
Identifiers: ClinVar variation 530074 (VCV000530074.13), dbSNP rs1319433657, ClinGen allele CA395141280.

ClinVar aggregate classification (germline): Uncertain significance. Review status: criteria provided, multiple submitters, no conflicts (2 of 4 stars). 3 submissions from 3 submitters: Uncertain significance (3). Last evaluated 2025-04-14.

Conditions:
Hereditary cancer-predisposing syndrome. Also called: Hereditary neoplastic syndrome; Neoplastic Syndromes, Hereditary; Hereditary Cancer Syndrome; Tumor predisposition. Identifiers: Orphanet 140162, MedGen C0027672, MeSH D009386, MONDO:0015356.
Familial cancer of breast. Also called: BREAST CANCER, FAMILIAL; Hereditary breast cancer; hereditary breast carcinoma. Identifiers: Orphanet 227535, MedGen C0346153, MONDO:0016419, OMIM 114480. Disease mechanism: loss of function.

Allele frequency attached by ClinVar (database versions not stated): gnomAD exomes below 0.00001.
gnomAD v4.1: 3 of 1,613,794 alleles (0.00019%); highest among the groups gnomAD compares: East Asian, 0.0022%; no homozygotes.

Submissions (3):

Labcorp Genetics (formerly Invitae), Labcorp
Classification: Uncertain significance for Familial cancer of breast. Last evaluated: 2025-04-14. Review status: criteria provided, single submitter. Criteria: Invitae Variant Classification Sherloc (09022015). Collection method: clinical testing. Allele origin: germline.
Comment: This sequence change replaces tyrosine, which is neutral and polar, with histidine, which is basic and polar, at codon 1055 of the PALB2 protein (p.Tyr1055His). This variant is present in population databases (no rsID available, gnomAD 0.006%). This variant has not been reported in the literature in individuals affected with PALB2-related conditions. ClinVar contains an entry for this variant (Variation ID: 530074). Invitae Evidence Modeling of protein sequence and biophysical properties (such as structural, functional, and spatial information, amino acid conservation, physicochemical variation, residue mobility, and thermodynamic stability) indicates that this missense variant is expected to disrupt PALB2 protein function with a positive predictive value of 80%. In summary, the available evidence is currently insufficient to determine the role of this variant in disease. Therefore, it has been classified as a Variant of Uncertain Significance.

Baylor Genetics
Classification: Uncertain significance for Familial cancer of breast. Last evaluated: 2024-03-11. Review status: criteria provided, single submitter. Criteria: ACMG Guidelines, 2015. Collection method: clinical testing. Allele origin: unknown.

Ambry Genetics
Classification: Uncertain significance for Hereditary cancer-predisposing syndrome. Last evaluated: 2021-10-04. Review status: criteria provided, single submitter. Criteria: Ambry Variant Classification Scheme 2023. Collection method: clinical testing. Allele origin: germline.
Comment: The p.Y1055H variant (also known as c.3163T>C), located in coding exon 11 of the PALB2 gene, results from a T to C substitution at nucleotide position 3163. The tyrosine at codon 1055 is replaced by histidine, an amino acid with similar properties. This amino acid position is well conserved in available vertebrate species. In addition, this alteration is predicted to be tolerated by in silico analysis. Since supporting evidence is limited at this time, the clinical significance of this alteration remains unclear.